The following is an entry in ClinVar:

NM_152419.3(HGSNAT):c.89G>A (p.Gly30Glu)

Genes: HGSNAT (heparan-alpha-glucosaminide N-acetyltransferase; plus strand), LOC130000316 (ATAC-STARR-seq lymphoblastoid silent region 19164; plus strand). Cytogenetic location: 8p11.21.
Variant type: single nucleotide variant.
Coding change: c.89G>A on transcript NM_152419.3 (MANE Select); coding-DNA position 89, G replaced by A.
Protein change: p.Gly30Glu; replaces glycine 30 with glutamic acid.
Molecular consequence: missense variant. On other transcripts: 5 prime UTR variant (1).
Genome position (GRCh38, 1-based): chr8:43,140,585, G>A. VCF-style: chr8-43140585-G-A. GRCh37 (hg19) VCF-style: chr8-42995728-G-A.
Other names: c.89G>A, p.Gly30Glu (NM_001363227.2, NM_001363228.2); c.-745G>A (NM_001363229.2); short protein forms G30E.
Identifiers: ClinVar variation 578653 (VCV000578653.5), dbSNP rs1490698793, ClinGen allele CA371124654.

ClinVar aggregate classification (germline): Uncertain significance. Review status: criteria provided, single submitter (1 of 4 stars). 2 submissions from 2 submitters: Uncertain significance (1). 1 of the submissions does not count toward it. Last evaluated 2023-05-15.

Conditions:
Mucopolysaccharidosis, MPS-III-C (MPS3C). Also called: MPS IIIC (Sanfilippo Syndrome Type C); MPS III C; MUCOPOLYSACCHARIDOSIS, TYPE IIIC; SANFILIPPO SYNDROME C; Mucopolysaccharidosis type IIIC (Sanfilippo C); mucopolysaccharidosis type 3C. Identifiers: Orphanet 581, Orphanet 79271, MedGen C0086649, MONDO:0009657, OMIM 252930.
Retinitis pigmentosa 73 (RP73). Identifiers: Orphanet 791, MedGen C4225287, MONDO:0014687, OMIM 616544.

gnomAD v4.1: 7 of 1,233,578 alleles (0.00057%); highest among the groups gnomAD compares: Non-Finnish European, 0.00061%; no homozygotes.

Submissions (2):

Labcorp Genetics (formerly Invitae), Labcorp
Classification: Uncertain significance for Retinitis pigmentosa 73; Mucopolysaccharidosis, MPS-III-C. Last evaluated: 2023-05-15. Review status: criteria provided, single submitter. Criteria: Invitae Variant Classification Sherloc (09022015). Collection method: clinical testing. Allele origin: germline.
Comment: This variant has not been reported in the literature in individuals affected with HGSNAT-related conditions. In summary, the available evidence is currently insufficient to determine the role of this variant in disease. Therefore, it has been classified as a Variant of Uncertain Significance. Advanced modeling of protein sequence and biophysical properties (such as structural, functional, and spatial information, amino acid conservation, physicochemical variation, residue mobility, and thermodynamic stability) performed at Invitae indicates that this missense variant is not expected to disrupt HGSNAT protein function. ClinVar contains an entry for this variant (Variation ID: 578653). This variant is not present in population databases (gnomAD no frequency). This sequence change replaces glycine, which is neutral and non-polar, with glutamic acid, which is acidic and polar, at codon 30 of the HGSNAT protein (p.Gly30Glu).

Natera, Inc.
Classification: Uncertain significance for Mucopolysaccharidosis type IIIC. Last evaluated: 2020-02-05. Review status: no assertion criteria provided. Collection method: clinical testing. Allele origin: germline. Not counted in ClinVar's aggregate classification.